The following is an entry in ClinVar:

NM_000744.7(CHRNA4):c.1046T>C (p.Leu349Pro)

Gene: CHRNA4 (cholinergic receptor nicotinic alpha 4 subunit; minus strand). Cytogenetic location: 20q13.33.
Variant type: single nucleotide variant.
Coding change: c.1046T>C on transcript NM_000744.7 (MANE Select); coding-DNA position 1046, T replaced by C.
Protein change: p.Leu349Pro; replaces leucine 349 with proline.
Molecular consequence: missense variant. On other transcripts: non-coding transcript variant (1).
Genome position (GRCh38, 1-based): chr20:63,350,365, A>G on the plus strand (T>C on the coding strand, the complement: CHRNA4 is on the minus strand). VCF-style: chr20-63350365-A-G. GRCh37 (hg19) VCF-style: chr20-61981717-A-G.
Other names: c.518T>C, p.Leu173Pro (NM_001256573.2); short protein forms L173P, L349P.
Identifiers: ClinVar variation 1800556 (VCV001800556.1), dbSNP rs2516540511, ClinGen allele CA409635391.

ClinVar aggregate classification (germline): Uncertain significance (1 of 4 stars; one submission).

Submission:

GeneDx
Classification: Uncertain significance. Last evaluated: 2022-05-16. Review status: criteria provided, single submitter. Criteria: GeneDx Variant Classification Process June 2021. Collection method: clinical testing. Allele origin: germline. Affected: yes.
Comment: Not observed at significant frequency in large population cohorts (gnomAD); In silico analysis supports that this missense variant has a deleterious effect on protein structure/function; Has not been previously published as pathogenic or benign to our knowledge